The following is an entry in ClinVar:

NM_001370298.3(FGD4):c.2083C>T (p.Arg695Ter)

Gene: FGD4 (FYVE, RhoGEF and PH domain containing 4; plus strand). Cytogenetic location: 12p11.21.
Variant type: single nucleotide variant.
Coding change: c.2083C>T on transcript NM_001370298.3 (MANE Select); coding-DNA position 2083, C replaced by T.
Protein change: p.Arg695Ter; replaces arginine 695 with a stop codon.
Molecular consequence: nonsense.
Genome position (GRCh38, 1-based): chr12:32,625,690, C>T. VCF-style: chr12-32625690-C-T. GRCh37 (hg19) VCF-style: chr12-32778624-C-T.
Other names: c.1927C>T, p.Arg643Ter (NM_001304481.2); c.928C>T, p.Arg310Ter (NM_001304483.2); c.640C>T, p.Arg214Ter (NM_001304484.2); c.1393C>T, p.Arg465Ter (NM_001330373.2, NM_001330374.2, NM_001384130.1); c.1120C>T, p.Arg374Ter (NM_001370297.1); c.2083C>T, p.Arg695Ter (NM_001384126.1); c.1672C>T, p.Arg558Ter (NM_001384127.1, NM_001384128.1, NM_001385118.1 and 1 more transcripts); short protein forms R465*, R695*, R214*, R310*, R374*, R643*, R558*.
Identifiers: ClinVar variation 1402656 (VCV001402656.6), dbSNP rs899737461, ClinGen allele CA235236173.
Genomic context (GRCh38, chr12:32,625,690, plus strand): 5'-ATTGAATCTTTCTTCCCTTTTTAGACTGCTGAGCTAGGGAAAAGAGCCCCAAGATGGATC[C>T]GAGATAATGAAGTGACAATGTGTATGAAATGTAAAGAACCTTTCAATGCACTGACACGAA-3'

ClinVar aggregate classification (germline): Pathogenic (1 of 4 stars; one submission).

Conditions:
Charcot-Marie-Tooth disease type 4. Also called: Charcot-Marie-Tooth disease, type IV; Charcot-Marie-Tooth, Type 4. Identifiers: Orphanet 64749, MedGen C4082197, MONDO:0018995.

Allele frequency attached by ClinVar (database versions not stated): gnomAD 0.00001.
gnomAD v4.1: 2 of 1,613,428 alleles (0.00012%); highest among the groups gnomAD compares: Non-Finnish European, 0.00017%; no homozygotes.

Submission:

Labcorp Genetics (formerly Invitae), Labcorp
Classification: Pathogenic for Charcot-Marie-Tooth disease type 4. Last evaluated: 2021-03-15. Review status: criteria provided, single submitter. Criteria: Invitae Variant Classification Sherloc (09022015). Collection method: clinical testing. Allele origin: germline.
Comment: For these reasons, this variant has been classified as Pathogenic. This variant has not been reported in the literature in individuals with FGD4-related conditions. This variant is not present in population databases (ExAC no frequency). This sequence change creates a premature translational stop signal (p.Arg558*) in the FGD4 gene. It is expected to result in an absent or disrupted protein product. Loss-of-function variants in FGD4 are known to be pathogenic (PMID: 17564972).

Literature cited by the submitters: PubMed 17564972.